The following is an entry in ClinVar:

NM_000158.4(GBE1):c.1831A>C (p.Asn611His)

Gene: GBE1 (1,4-alpha-glucan branching enzyme 1; minus strand). Cytogenetic location: 3p12.2.
Variant type: single nucleotide variant.
Coding change: c.1831A>C on transcript NM_000158.4 (MANE Select); coding-DNA position 1831, A replaced by C.
Protein change: p.Asn611His; replaces asparagine 611 with histidine.
Molecular consequence: missense variant.
Genome position (GRCh38, 1-based): chr3:81,535,298, T>G on the plus strand (A>C on the coding strand, the complement: GBE1 is on the minus strand). VCF-style: chr3-81535298-T-G. GRCh37 (hg19) VCF-style: chr3-81584449-T-G.
Other names: short protein forms N611H.
Identifiers: ClinVar variation 1516003 (VCV001516003.6), dbSNP rs2106869674, ClinGen allele CA353686211.
Genomic context (GRCh38, chr3:81,535,298, plus strand): 5'-TGCTTGGATGGAAGTTGAAAATGAAAAGAAGACCTGCTCTTTCAAAAGCAATGATCTTAT[T>G]GCCTTCATGTTTTTCACTCACGTAGGCCTGCAAGAATTAGCACACATGTTACATTTAAAT-3'
Protein context (NP_000149.4, residues 601-621): QAYVSEKHEG[Asn611His]KIIAFERAGL

ClinVar aggregate classification (germline): Uncertain significance (1 of 4 stars; one submission).

Conditions:
Glycogen storage disease IV, classic hepatic. Also called: GSD IV, CLASSIC HEPATIC. Identifiers: MedGen C1856301.
Glycogen storage disease, type IV (GSD4). Also called: GBE1 DEFICIENCY; GLYCOGEN BRANCHING ENZYME DEFICIENCY; GLYCOGENOSIS IV; Glycogen storage disease due to glycogen branching enzyme deficiency; GSD IV; AMYLOPECTINOSIS. Identifiers: Orphanet 367, MedGen C0017923, MONDO:0009292, OMIM 232500.

Allele frequency attached by ClinVar (database versions not stated): gnomAD exomes below 0.00001.
gnomAD v4.1: 1 of 1,610,352 alleles (0.000062%); highest among the groups gnomAD compares: African/African-American, 0.0013%; no homozygotes.

Submission:

Labcorp Genetics (formerly Invitae), Labcorp
Classification: Uncertain significance for Glycogen storage disease, type IV; Glycogen storage disease IV, classic hepatic. Last evaluated: 2022-07-26. Review status: criteria provided, single submitter. Criteria: Invitae Variant Classification Sherloc (09022015). Collection method: clinical testing. Allele origin: germline.
Comment: This sequence change replaces asparagine with histidine at codon 611 of the GBE1 protein (p.Asn611His). The asparagine residue is weakly conserved and there is a small physicochemical difference between asparagine and histidine. This variant is not present in population databases (gnomAD no frequency). This variant has not been reported in the literature in individuals affected with GBE1-related conditions. ClinVar contains an entry for this variant (Variation ID: 1516003). Advanced modeling of protein sequence and biophysical properties (such as structural, functional, and spatial information, amino acid conservation, physicochemical variation, residue mobility, and thermodynamic stability) performed at Invitae indicates that this missense variant is not expected to disrupt GBE1 protein function. In summary, the available evidence is currently insufficient to determine the role of this variant in disease. Therefore, it has been classified as a Variant of Uncertain Significance.